The following is an entry in ClinVar:

NM_005045.4(RELN):c.6962C>T (p.Thr2321Met)

Gene: RELN (reelin; minus strand). Cytogenetic location: 7q22.1.
Variant type: single nucleotide variant.
Coding change: c.6962C>T on transcript NM_005045.4 (MANE Select); coding-DNA position 6962, C replaced by T.
Protein change: p.Thr2321Met; replaces threonine 2321 with methionine.
Molecular consequence: missense variant.
Genome position (GRCh38, 1-based): chr7:103,539,296, G>A on the plus strand (C>T on the coding strand, the complement: RELN is on the minus strand). VCF-style: chr7-103539296-G-A. GRCh37 (hg19) VCF-style: chr7-103179743-G-A.
Other names: c.6962C>T, p.Thr2321Met (NM_173054.3); short protein forms T2321M.
Identifiers: ClinVar variation 475979 (VCV000475979.53), dbSNP rs116065504, ClinGen allele CA4420830.

ClinVar aggregate classification (germline): Conflicting classifications of pathogenicity. Review status: criteria provided, conflicting classifications (1 of 4 stars). 4 submissions from 4 submitters: Uncertain significance (1); Likely benign (2). 1 of the submissions does not count toward it. Last evaluated 2026-01-24.

Conditions:
Norman-Roberts syndrome (LIS2). Also called: Lissencephaly 2 (Norman-Roberts type). Identifiers: Orphanet 89844, MedGen C0796089, MONDO:0009760, OMIM 257320.
Familial temporal lobe epilepsy 7. Identifiers: Orphanet 101046, MedGen C4225327, MONDO:0014639, OMIM 616436.
RELN-related disorder. Also called: RELN-related condition.

Allele frequency attached by ClinVar (database versions not stated): gnomAD exomes 0.00063 and 0.00013; gnomAD 0.00064; 1000 Genomes Project 30x 0.00094; 1000 Genomes Project 0.00120; ESP Exome Variant Server 0.00008; TOPMed 0.00037; ExAC 0.00047.
gnomAD v4.1: 254 of 1,613,876 alleles (0.016%); highest among the groups gnomAD compares: East Asian, 0.39%; 1 homozygote.

Submissions (4):

Labcorp Genetics (formerly Invitae), Labcorp
Classification: Likely benign for Familial temporal lobe epilepsy 7; Norman-Roberts syndrome. Last evaluated: 2026-01-24. Review status: criteria provided, single submitter. Criteria: Invitae Variant Classification Sherloc (09022015). Collection method: clinical testing. Allele origin: germline.

Blueprint Genetics
Classification: Likely benign. Last evaluated: 2024-10-28. Review status: criteria provided, single submitter. Criteria: ACMG Guidelines, 2015. Collection method: clinical testing. Allele origin: germline.

CeGaT Center for Human Genetics Tuebingen
Classification: Uncertain significance. Last evaluated: 2019-09-01. Review status: criteria provided, single submitter. Criteria: CeGaT Center For Human Genetics Tuebingen Variant Classification Criteria Version 2. Collection method: clinical testing. Allele origin: germline. Affected: yes. Observed: 1 variant allele.

PreventionGenetics, part of Exact Sciences
Classification: Likely benign for RELN-related condition. Last evaluated: 2020-02-12. Review status: no assertion criteria provided. Collection method: clinical testing. Allele origin: germline. Not counted in ClinVar's aggregate classification.
Comment: This variant is classified as likely benign based on ACMG/AMP sequence variant interpretation guidelines (Richards et al. 2015 PMID: 25741868, with internal and published modifications).